The following is an entry in ClinVar:

ClinVar aggregate classification (germline): Uncertain significance (1 of 4 stars; one submission).

Allele frequency attached by ClinVar (database versions not stated): TOPMed 0.00002.
gnomAD v4.1: 33 of 1,612,228 alleles (0.002%); highest among the groups gnomAD compares: African/African-American, 0.004%; no homozygotes.

Submission:

Labcorp Genetics (formerly Invitae), Labcorp
Classification: Uncertain significance. Last evaluated: 2022-08-23. Review status: criteria provided, single submitter. Criteria: Invitae Variant Classification Sherloc (09022015). Collection method: clinical testing. Allele origin: germline.
Comment: This sequence change replaces proline, which is neutral and non-polar, with serine, which is neutral and polar, at codon 706 of the COL18A1 protein (p.Pro706Ser). This variant is present in population databases (rs546271526, gnomAD 0.004%). This variant has not been reported in the literature in individuals affected with COL18A1-related conditions. ClinVar contains an entry for this variant (Variation ID: 1402023). Experimental studies and prediction algorithms are not available or were not evaluated, and the functional significance of this variant is currently unknown. In summary, the available evidence is currently insufficient to determine the role of this variant in disease. Therefore, it has been classified as a Variant of Uncertain Significance.

NM_001379500.1(COL18A1):c.2116C>T (p.Pro706Ser)

Gene: COL18A1 (collagen type XVIII alpha 1 chain; plus strand). Cytogenetic location: 21q22.3.
Variant type: single nucleotide variant.
Coding change: c.2116C>T on transcript NM_001379500.1 (MANE Select); coding-DNA position 2116, C replaced by T.
Protein change: p.Pro706Ser; replaces proline 706 with serine.
Molecular consequence: missense variant.
Genome position (GRCh38, 1-based): chr21:45,491,273, C>T. VCF-style: chr21-45491273-C-T. GRCh37 (hg19) VCF-style: chr21-46911187-C-T.
Other names: c.2656C>T, p.Pro886Ser (NM_030582.4); c.3361C>T, p.Pro1121Ser (NM_130444.3); short protein forms P886S, P706S, P1121S.
Identifiers: ClinVar variation 1402023 (VCV001402023.3), dbSNP rs546271526, ClinGen allele CA10066811.